The following is an entry in ClinVar:

ClinVar aggregate classification (germline): Likely benign (1 of 4 stars; one submission).

Allele frequency attached by ClinVar (database versions not stated): gnomAD 0.00509 and 0.00540; TOPMed 0.00577; 1000 Genomes Project 0.00740.
gnomAD v4.1: 744 of 146,592 alleles (0.51%); highest among the groups gnomAD compares: African/African-American, 1.6%; 3 homozygotes.

Submission:

GeneDx
Classification: Likely benign. Last evaluated: 2018-06-16. Review status: criteria provided, single submitter. Criteria: GeneDx Variant Classification (06012015). Collection method: clinical testing. Allele origin: germline. Affected: yes.
Comment: This variant is considered likely benign or benign based on one or more of the following criteria: it is a conservative change, it occurs at a poorly conserved position in the protein, it is predicted to be benign by multiple in silico algorithms, and/or has population frequency not consistent with disease.

NM_003331.5(TYK2):c.3318+196T>A

Gene: TYK2 (tyrosine kinase 2; minus strand). Cytogenetic location: 19p13.2.
Variant type: single nucleotide variant.
Coding change: c.3318+196T>A on transcript NM_003331.5 (MANE Select); 196 bases into the intron after coding-DNA position 3318, T replaced by A.
Molecular consequence: intron variant.
Genome position (GRCh38, 1-based): chr19:10,352,238, A>T on the plus strand (T>A on the coding strand, the complement: TYK2 is on the minus strand). VCF-style: chr19-10352238-A-T. GRCh37 (hg19) VCF-style: chr19-10462914-A-T.
Identifiers: ClinVar variation 679000 (VCV000679000.1), dbSNP rs187586005, ClinGen allele CA14708329.